The following is an entry in ClinVar:

NM_006785.4(MALT1):c.2351_2371dup (p.Asp784_Phe790dup)

Gene: MALT1 (MALT1 paracaspase; plus strand). Cytogenetic location: 18q21.32.
Variant type: Duplication.
Coding change: c.2351_2371dup on transcript NM_006785.4 (MANE Select); coding-DNA positions 2351 to 2371, 21 bases duplicated (ATGCATTTATTTCAAGTTTCG).
Protein change: p.Asp784_Phe790dup.
Molecular consequence: inframe insertion.
Genome position (GRCh38, 1-based): chr18:58,747,718-58,747,738, ATGCATTTATTTCAAGTTTCG duplicated; duplicating any 21 consecutive bases within chr18:58,747,717-58,747,738 gives the same sequence; the c. name uses the placement nearest the transcript's 3' end. VCF-style (leftmost placement, unchanged base first): chr18-58747716-A-AGATGCATTTATTTCAAGTTTC. GRCh37 (hg19) VCF-style: chr18-56414948-A-AGATGCATTTATTTCAAGTTTC.
Other names: c.2351_2371dup, p.Asp784_Phe790dup (LRG_1221t1); c.2318_2338dup, p.Asp773_Phe779dup (NM_173844.3).
Identifiers: ClinVar variation 641152 (VCV000641152.6), dbSNP rs747062590, ClinGen allele CA8978095.
Genomic context (GRCh38, chr18:58,747,716, plus strand): 5'-ACATCCTGGTAATCCAAGTAATGTTACACCAGCAGATAGCTGTCATTGCAGCCGGACTCC[A>AGATGCATTTATTTCAAGTTTC]GATGCATTTATTTCAAGTTTCGCTCACCATGCTTCATGTCATTTTAGTAGAAGTAATGTG-3'

ClinVar aggregate classification (germline): Uncertain significance (1 of 4 stars; one submission).

Conditions:
Combined immunodeficiency due to MALT1 deficiency. Also called: Immunodeficiency 12. Identifiers: Orphanet 397964, MedGen C3809583, MONDO:0014197, OMIM 615468.

Submission:

Labcorp Genetics (formerly Invitae), Labcorp
Classification: Uncertain significance for Combined immunodeficiency due to MALT1 deficiency. Last evaluated: 2022-10-13. Review status: criteria provided, single submitter. Criteria: Invitae Variant Classification Sherloc (09022015). Collection method: clinical testing. Allele origin: germline.
Comment: This variant, c.2351_2371dup, results in the insertion of 7 amino acid(s) of the MALT1 protein (p.Asp784_Phe790dup), but otherwise preserves the integrity of the reading frame. This variant is present in population databases (rs747062590, gnomAD 0.006%). This variant has not been reported in the literature in individuals affected with MALT1-related conditions. ClinVar contains an entry for this variant (Variation ID: 641152). Experimental studies and prediction algorithms are not available or were not evaluated, and the functional significance of this variant is currently unknown. In summary, the available evidence is currently insufficient to determine the role of this variant in disease. Therefore, it has been classified as a Variant of Uncertain Significance.